The following is an entry in ClinVar:

NM_001193313.2(SUGCT):c.67G>T (p.Gly23Trp)

Gene: SUGCT (succinyl-CoA:glutarate-CoA transferase; plus strand). Cytogenetic location: 7p14.1.
Variant type: single nucleotide variant.
Coding change: c.67G>T on transcript NM_001193313.2 (MANE Select); coding-DNA position 67, G replaced by T.
Protein change: p.Gly23Trp; replaces glycine 23 with tryptophan.
Molecular consequence: missense variant.
Genome position (GRCh38, 1-based): chr7:40,135,087, G>T. VCF-style: chr7-40135087-G-T. GRCh37 (hg19) VCF-style: chr7-40174686-G-T.
Other names: c.67G>T, p.Gly23Trp (NM_001193311.2, NM_001193312.2, NM_024728.3); short protein forms G23W.
Identifiers: ClinVar variation 2120708 (VCV002120708.4), dbSNP rs1418509936, ClinGen allele CA367309541.

ClinVar aggregate classification (germline): Uncertain significance (1 of 4 stars; one submission).

Submission:

Labcorp Genetics (formerly Invitae), Labcorp
Classification: Uncertain significance. Last evaluated: 2022-07-21. Review status: criteria provided, single submitter. Criteria: Invitae Variant Classification Sherloc (09022015). Collection method: clinical testing. Allele origin: germline.
Comment: In summary, the available evidence is currently insufficient to determine the role of this variant in disease. Therefore, it has been classified as a Variant of Uncertain Significance. Algorithms developed to predict the effect of missense changes on protein structure and function output the following: SIFT: "Deleterious"; PolyPhen-2: "Not Available"; Align-GVGD: "Class C0". The tryptophan amino acid residue is found in multiple mammalian species, which suggests that this missense change does not adversely affect protein function. This sequence change replaces glycine, which is neutral and non-polar, with tryptophan, which is neutral and slightly polar, at codon 30 of the SUGCT protein (p.Gly30Trp). This variant is not present in population databases (gnomAD no frequency). This variant has not been reported in the literature in individuals affected with SUGCT-related conditions.